The following is an entry in ClinVar:

NM_000051.4(ATM):c.8161_8163delinsAG (p.Asp2721fs)

Genes: ATM (ATM serine/threonine kinase; plus strand), C11orf65 (chromosome 11 open reading frame 65; minus strand). Cytogenetic location: 11q22.3.
Variant type: Indel.
Coding change: c.8161_8163delinsAG on transcript NM_000051.4 (MANE Select); coding-DNA positions 8161 to 8163, GAC replaced by AG.
Protein change: p.Asp2721fs; shifts the reading frame from aspartic acid 2721.
Molecular consequence: frameshift variant. On other transcripts: intron variant (2).
Genome position (GRCh38, 1-based): chr11:108,335,854-108,335,856, GAC replaced by AG. VCF-style: chr11-108335854-GAC-AG. GRCh37 (hg19) VCF-style: chr11-108206581-GAC-AG.
Other names: c.8161_8163delinsAG, p.Asp2721fs (NM_001351834.2); c.641-26785_641-26783delinsCT (NM_001330368.2); c.695-564_695-562delinsCT (NM_001351110.2); short protein forms D2721fs.
Identifiers: ClinVar variation 2673619 (VCV002673619.1), dbSNP rs2547345248, ClinGen allele CA2695199000.

ClinVar aggregate classification (germline): Pathogenic (1 of 4 stars; one submission).

Conditions:
Familial cancer of breast. Also called: BREAST CANCER, FAMILIAL; Hereditary breast cancer; hereditary breast carcinoma. Identifiers: Orphanet 227535, MedGen C0346153, MONDO:0016419, OMIM 114480. Disease mechanism: loss of function.

Submission:

Myriad Genetics, Inc.
Classification: Pathogenic for Familial cancer of breast. Last evaluated: 2023-08-30. Review status: criteria provided, single submitter. Criteria: Myriad Autosomal Dominant, Autosomal Recessive and X-Linked Classification Criteria (2023). Collection method: clinical testing. Allele origin: unknown.
Comment: This variant is considered pathogenic. This variant creates a frameshift predicted to result in premature protein truncation.